The following is an entry in ClinVar:

ClinVar aggregate classification (germline): Pathogenic (1 of 4 stars; one submission).

Conditions:
Marfan syndrome (MFS). Also called: FBN1-Related Marfan Syndrome; MARFAN SYNDROME, TYPE I; Marfan syndrome type 1; Marfan's syndrome; Marfan syndrome, classic. Identifiers: Orphanet 284963, Orphanet 558, MedGen C0024796, MONDO:0007947, OMIM 154700.
Familial thoracic aortic aneurysm and aortic dissection (TAAD). Also called: Thoracic aortic aneurysms and dissections. Identifiers: Orphanet 91387, MedGen C4707243, MONDO:0019625.

Submission:

Labcorp Genetics (formerly Invitae), Labcorp
Classification: Pathogenic for Marfan syndrome; Familial thoracic aortic aneurysm and aortic dissection. Last evaluated: 2025-05-25. Review status: criteria provided, single submitter. Criteria: Invitae Variant Classification Sherloc (09022015). Collection method: clinical testing. Allele origin: germline.
Comment: This sequence change falls in intron 62 of the FBN1 gene. It does not directly change the encoded amino acid sequence of the FBN1 protein. It affects a nucleotide within the consensus splice site. This variant is not present in population databases (gnomAD no frequency). This variant has been observed in individuals with Marfan syndrome (PMID: 31830381, 36517271; internal data). Variants that disrupt the consensus splice site are a relatively common cause of aberrant splicing (PMID: 17576681, 9536098). Algorithms developed to predict the effect of sequence changes on RNA splicing suggest that this variant may disrupt the consensus splice site. This variant disrupts the c.7699+5G nucleotide in the FBN1 gene. Other variant(s) that disrupt this nucleotide have been determined to be pathogenic (internal data). This suggests that this nucleotide is clinically significant, and that variants that disrupt this position are likely to be disease-causing. For these reasons, this variant has been classified as Pathogenic.

Literature cited by the submitters: PubMed 31830381; PubMed 36517271; PubMed 17576681; PubMed 9536098.

NM_000138.5(FBN1):c.7699+5G>T

Gene: FBN1 (fibrillin 1; minus strand). Cytogenetic location: 15q21.1.
Variant type: single nucleotide variant.
Coding change: c.7699+5G>T on transcript NM_000138.5 (MANE Select); 5 bases into the intron after coding-DNA position 7699, G replaced by T.
Molecular consequence: intron variant.
Genome position (GRCh38, 1-based): chr15:48,421,553, C>A on the plus strand (G>T on the coding strand, the complement: FBN1 is on the minus strand). VCF-style: chr15-48421553-C-A. GRCh37 (hg19) VCF-style: chr15-48713750-C-A.
Other names: c.7699+5G>T (NM_001406716.1).
Identifiers: ClinVar variation 4794799 (VCV004794799.1).